The following is an entry in ClinVar:

ClinVar aggregate classification (germline): Likely benign. Review status: reviewed by expert panel (3 of 4 stars). 2 submissions from 2 submitters: Likely benign (1). 1 of the submissions does not count toward it. Last evaluated 2017-06-29.

Conditions:
Breast-ovarian cancer, familial, susceptibility to, 1 (BROVCA1). Also called: OVARIAN CANCER, SUSCEPTIBILITY TO; BRCA1 Hereditary Breast and Ovarian Cancer. Identifiers: Orphanet 145, MedGen C2676676, MONDO:0011450, OMIM 604370. Disease mechanism: loss of function.

Submissions (2):

Evidence-based Network for the Interpretation of Germline Mutant Alleles (ENIGMA)
Classification: Likely benign for Breast-ovarian cancer, familial, susceptibility to, 1. Last evaluated: 2017-06-29. Review status: reviewed by expert panel. Criteria: ENIGMA BRCA1/2 Classification Criteria (2017-06-29). Collection method: curation. Allele origin: germline.
Comment: Synonymous substitution variant, with low bioinformatic likelihood to result in a splicing aberration (Splicing prior probability 0.02).

Breast Cancer Information Core (BIC) (BRCA1)
Classification: Uncertain significance for Breast-ovarian cancer, familial 1. Last evaluated: 2000-01-01. Review status: no assertion criteria provided. Collection method: clinical testing. Allele origin: germline. Affected: yes. Observed: 1 variant allele. Not counted in ClinVar's aggregate classification.

NM_007294.4(BRCA1):c.2079C>T (p.Asp693=)

Gene: BRCA1 (BRCA1 DNA repair associated; minus strand). Cytogenetic location: 17q21.31.
Variant type: single nucleotide variant.
Coding change: c.2079C>T on transcript NM_007294.4 (MANE Select); coding-DNA position 2079, C replaced by T.
Protein change: p.Asp693=; no amino-acid change (aspartic acid 693 retained).
Molecular consequence: synonymous variant. On other transcripts: intron variant (137).
Genome position (GRCh38, 1-based): chr17:43,093,452, G>A on the plus strand (C>T on the coding strand, the complement: BRCA1 is on the minus strand). VCF-style: chr17-43093452-G-A. GRCh37 (hg19) VCF-style: chr17-41245469-G-A.
Other names: D693D; c.2079C>T, p.Asp693= (NM_001407859.1, NM_007300.4, NM_001407581.1 and 30 more transcripts); c.2076C>T, p.Asp692= (NM_001407860.1, NM_001407861.1, NM_001407587.1 and 22 more transcripts); c.1878C>T, p.Asp626= (NM_001407862.1); c.1956C>T, p.Asp652= (NM_001407863.1, NM_001407919.1, NM_001407937.1 and 19 more transcripts); c.1875C>T, p.Asp625= (NM_001407874.1, NM_001407875.1); c.1869C>T, p.Asp623= (NM_001407879.1, NM_001407881.1, NM_001407882.1 and 13 more transcripts); c.1866C>T, p.Asp622= (NM_001407894.1, NM_001407895.1, NM_001407896.1 and 9 more transcripts); and 41 more.
Identifiers: ClinVar variation 54453 (VCV000054453.4), dbSNP rs80356835, ClinGen allele CA001379.
Genomic context (GRCh38, chr17:43,093,452, plus strand): 5'-TGAACACTTAGTAAAAGAACCAGGTGCATTTGTTAACTTCAGCTCTGGGAAAGTATCGCT[G>A]TCATGTCTTTTACTTGTCTGTTCATTTGGCTTGTTACTCTTCTTGGCTCCAGTTGCAGGT-3'
Protein context (NP_009225.1, residues 683-703): KPNEQTSKRH[Asp693=]SDTFPELKLT